The following is an entry in ClinVar:

ClinVar aggregate classification (germline): Uncertain significance. Review status: criteria provided, multiple submitters, no conflicts (2 of 4 stars). 2 submissions from 2 submitters: Uncertain significance (2). Last evaluated 2024-02-22.

Conditions:
Familial adenomatous polyposis 1 (FAP1). Also called: FAMILIAL ADENOMATOUS POLYPOSIS 1, ATTENUATED; POLYPOSIS, ADENOMATOUS INTESTINAL. Identifiers: MedGen C2713442, MONDO:0021056, OMIM 175100. Disease mechanism: loss of function.

Submissions (2):

Baylor Genetics
Classification: Uncertain significance for Familial adenomatous polyposis 1. Last evaluated: 2024-02-22. Review status: criteria provided, single submitter. Criteria: ACMG Guidelines, 2015. Collection method: clinical testing. Allele origin: unknown.

Labcorp Genetics (formerly Invitae), Labcorp
Classification: Uncertain significance for Familial adenomatous polyposis 1. Last evaluated: 2019-01-29. Review status: criteria provided, single submitter. Criteria: Invitae Variant Classification Sherloc (09022015). Collection method: clinical testing. Allele origin: germline.
Comment: This variant is not present in population databases (ExAC no frequency). This sequence change replaces serine with proline at codon 2088 of the APC protein (p.Ser2088Pro). The serine residue is highly conserved and there is a moderate physicochemical difference between serine and proline. This variant has not been reported in the literature in individuals with APC-related conditions. In summary, the available evidence is currently insufficient to determine the role of this variant in disease. Therefore, it has been classified as a Variant of Uncertain Significance. Algorithms developed to predict the effect of missense changes on protein structure and function are either unavailable or do not agree on the potential impact of this missense change (SIFT: "Deleterious"; PolyPhen-2: "Probably Damaging"; Align-GVGD: "Class C0").

NM_000038.6(APC):c.6262T>C (p.Ser2088Pro)

Gene: APC (APC regulator of Wnt signaling pathway; plus strand). Cytogenetic location: 5q22.2.
Variant type: single nucleotide variant.
Coding change: c.6262T>C on transcript NM_000038.6 (MANE Select); coding-DNA position 6262, T replaced by C.
Protein change: p.Ser2088Pro; replaces serine 2088 with proline.
Molecular consequence: missense variant.
Genome position (GRCh38, 1-based): chr5:112,841,856, T>C. VCF-style: chr5-112841856-T-C. GRCh37 (hg19) VCF-style: chr5-112177553-T-C.
Other names: c.6262T>C, p.Ser2088Pro (NM_001127510.3, NM_001354895.2); c.6208T>C, p.Ser2070Pro (NM_001127511.3); c.6316T>C, p.Ser2106Pro (NM_001354896.2); c.6292T>C, p.Ser2098Pro (NM_001354897.2); c.6187T>C, p.Ser2063Pro (NM_001354898.2); c.6178T>C, p.Ser2060Pro (NM_001354899.2); c.6139T>C, p.Ser2047Pro (NM_001354900.2); c.6085T>C, p.Ser2029Pro (NM_001354901.2); and 5 more; short protein forms S1987P, S1997P, S2088P, S1805P, S1962P, S2060P, S2070P, S2047P.
Identifiers: ClinVar variation 843424 (VCV000843424.12), dbSNP rs1766174863, ClinGen allele CA16035043.
Genomic context (GRCh38, chr5:112,841,856, plus strand): 5'-ATGGGTGGCATATTAGGTGAAGATCTGACACTTGATTTGAAAGATATACAGAGACCAGAT[T>C]CAGAACATGGTCTATCCCCTGATTCAGAAAATTTTGATTGGAAAGCTATTCAGGAAGGTG-3'
Protein context (NP_000029.2, residues 2078-2098): LDLKDIQRPD[Ser2088Pro]EHGLSPDSEN